The following is an entry in ClinVar:

ClinVar aggregate classification (germline): Pathogenic (1 of 4 stars; one submission).

Submission:

Labcorp Genetics (formerly Invitae), Labcorp
Classification: Pathogenic. Last evaluated: 2023-12-09. Review status: criteria provided, single submitter. Criteria: Invitae Variant Classification Sherloc (09022015). Collection method: clinical testing. Allele origin: unknown.
Comment: This variant is a gross deletion of the genomic region encompassing exon(s) 84-85 of the ADGRV1 gene. This deletion is out-of-frame, and is expected to create a premature termination codon and result in an absent or disrupted protein product. Loss-of-function variants in ADGRV1 are known to be pathogenic (PMID: 19357117, 22135276, 22147658, 26226137, 30718709, 31047384, 32467589). A similar copy number variant has been observed in individual(s) with Usher syndrome (PMID: 19357116). For these reasons, this variant has been classified as Pathogenic.

Literature cited by the submitters: PubMed 19357117; PubMed 22135276; PubMed 22147658; PubMed 26226137; PubMed 30718709; PubMed 31047384; PubMed 32467589; PubMed 19357116.

NC_000005.9:g.(?_90261212)_(90281359_?)del

Gene: ADGRV1 (adhesion G protein-coupled receptor V1; plus strand). Cytogenetic location: 5q14.3.
Variant type: Deletion.
Identifiers: ClinVar variation 3246552 (VCV003246552.1).